The following is an entry in ClinVar:

ClinVar aggregate classification (germline): Likely pathogenic. Review status: reviewed by expert panel (3 of 4 stars). 19 submissions from 18 submitters: Likely pathogenic (1). 18 of the submissions do not count toward it. Last evaluated 2026-04-13.

Conditions:
RYR1-related myopathy. Identifiers: Orphanet 98742, MedGen CN305348, MONDO:0100150.
RYR1-related disorder. Also called: RYR1-related disorders; RYR1-related condition. Identifiers: MedGen CN239331.
King Denborough syndrome (KDS). Identifiers: MedGen C1840365, MONDO:0020485, OMIM 619542.
Central core myopathy (CMYO1A). Also called: CONGENITAL MYOPATHY 1A, AUTOSOMAL DOMINANT, WITH SUSCEPTIBILITY TO MALIGNANT HYPERTHERMIA; Central core disease; Myopathy, central fibrillar. Identifiers: Orphanet 597, MedGen C5830701, MONDO:0007294, OMIM 117000.
Congenital multicore myopathy with external ophthalmoplegia (CMYO1B). Also called: MULTICORE MYOPATHY; Congenital myopathy 1B, autosomal recessive; Minicore myopathy; Minicore myopathy with external ophthalmoplegia; MULTIMINICORE DISEASE WITH EXTERNAL OPHTHALMOPLEGIA. Identifiers: Orphanet 598, Orphanet 98905, MedGen C1850674, MONDO:0009712, OMIM 255320, HP:0003789.
Malignant hyperthermia, susceptibility to, 1 (MHS1). Also called: Malignant hyperthermia suceptibility 1; Anesthesia related hyperthermia; Malignant hyperpyrexia; Fulminating hyperpyrexia; Pharmacogenic myopathy; RYR1-Related Malignant Hyperthermia Susceptibility. Identifiers: Orphanet 423, MedGen C2930980, MONDO:0007783, OMIM 145600.
Inborn genetic diseases. Identifiers: MedGen C0950123, MeSH D030342.

Allele frequency attached by ClinVar (database versions not stated): gnomAD 0.00008 and 0.00012; TOPMed 0.00010; ExAC 0.00023; gnomAD exomes 0.00025; 1000 Genomes Project 30x 0.00047; 1000 Genomes Project 0.00060.
gnomAD v4.1: 220 of 1,613,912 alleles (0.014%); highest among the groups gnomAD compares: South Asian, 0.17%; no homozygotes.

Submissions 1 to 7 of 19:

ClinGen Congenital Myopathies Variant Curation Expert Panel, ClinGen
Classification: Likely pathogenic for RYR1-related myopathy. Last evaluated: 2026-04-13. Review status: reviewed by expert panel. Criteria: ClinGen CongenMyopathy ACMG Specifications RYR1 AR V2.0.0. Collection method: curation. Allele origin: germline. Inheritance: Autosomal recessive inheritance.
Comment: The NM_000540.3:c.10648C>T variant in RYR1 is a missense variant predicted to cause substitution of arginine by tryptophan at amino acid 3550 (p.Arg3550Trp). This variant has been detected in a compound heterozygous state in at least 4 probands with clinical features of RYR1-related myopathy. Of those, at least two individuals with this variant displayed characteristic muscle imaging, and muscle biopsy showing features consistent with centronuclear myopathy, which is compatible with autosomal recessive RYR1-related myopathy (PP4, PM3_Strong; PMID: 29178655, 31135626; ClinGen Congenital Myopathies VCEP internal contributors). The variant has been reported to segregate with RYR1-related myopathy in 2 affected family members from 1 family (PP1; PMID 31135626). The highest population minor allele frequency in gnomAD v4.1 is 0.001669 (152/91070 alleles) in the South Asian population, which is higher than the ClinGen Congenital Myopathies VCEP threshold ≥0.000697 for BS1. However, based on the additional evidence, the ClinGen Congenital Myopathies Expert Panel believes that the evidence for pathogenicity of this variant for RYR1-related myopathy outweighs its high allele frequency in population databases. Therefore, the BS1 code will not contribute to the overall classification. The computational predictor REVEL gives a score of 0.767, which is above the threshold of ≥ 0.7, evidence that correlates with impact to RYR1 function (PP3). In summary, this variant meets the criteria to be classified as likely pathogenic for autosomal recessive RYR1-related myopathy based on the ACMG/AMP criteria applied, as specified by the ClinGen Congenital Myopathies: PM3_Strong, PP1, PP3, PP4 (ClinGen Congenital Myopathies VCEP specifications version 2.0.0).

OLLIN Analises Genomicas, OLLIN
Classification: Likely pathogenic for Malignant hyperthermia, susceptibility to, 1. Last evaluated: 2026-08-06. Review status: criteria provided, single submitter. Criteria: ACMG Guidelines 2015 PMID 25741868. Collection method: clinical testing. Allele origin: germline. Inheritance: Autosomal dominant inheritance. Not counted in ClinVar's aggregate classification.
Comment: This missense variant, located in exon 72 (of 106), has been reported in ClinVar (accession VCV000281479.55), in gnomAD with an allele frequency of 0.014%, and in the scientific literature, in compound heterozygosity, in individuals with RYR1 related disorders (PMID: 31135626, 29178655). In silico analysis predicts that this variant has a deleterious effect. According to the currently available evidence, this variant has been classified as likely pathogenic (PM2_P, PM3_S, PP3, PP4).

Ambry Genetics
Classification: Likely pathogenic for Inborn genetic diseases. Last evaluated: 2026-02-06. Review status: criteria provided, single submitter. Criteria: Ambry Variant Classification Scheme 2023. Collection method: clinical testing. Allele origin: germline. Not counted in ClinVar's aggregate classification.
Comment: The c.10648C>T (p.R3550W) alteration is located in coding exon 72 of the RYR1 gene. This alteration results from a C to T substitution at nucleotide position 10648, causing the arginine (R) at amino acid position 3550 to be replaced by a tryptophan (W). for autosomal recessive RYR1-related myopathy; however, it is unlikely to be causative of autosomal dominant RYR1-related myopathy and autosomal dominant malignant hyperthermia susceptibility. Based on data from gnomAD, the T allele has an overall frequency of 0.023% (64/282816) total alleles studied. The highest observed frequency was 0.18% (55/30616) of South Asian alleles. This variant has been identified in conjunction with other RYR1 variant(s) in individual(s) with features consistent with autosomal recessive RYR1-related myopathy; in at least one instance, the variants were identified in trans (Laughlin, 2017; Peddareddygari, 2019; Thuriot, 2020). This amino acid position is highly conserved in available vertebrate species. This alteration is predicted to be deleterious by in silico analysis. Based on the available evidence, this alteration is classified as likely pathogenic.

Labcorp Genetics (formerly Invitae), Labcorp
Classification: Pathogenic for RYR1-related disorder. Last evaluated: 2026-01-28. Review status: criteria provided, single submitter. Criteria: Invitae Variant Classification Sherloc (09022015). Collection method: clinical testing. Allele origin: germline. Not counted in ClinVar's aggregate classification.
Comment: This sequence change replaces arginine, which is basic and polar, with tryptophan, which is neutral and slightly polar, at codon 3550 of the RYR1 protein (p.Arg3550Trp). This variant is present in population databases (rs536304635, gnomAD 0.2%). This missense change has been observed in individual(s) with autosomal recessive RYR1-related myopathy (PMID: 29178655, 31135626, 31321302). In at least one individual the data is consistent with being in trans (on the opposite chromosome) from a pathogenic variant. It has also been observed to segregate with disease in related individuals. ClinVar contains an entry for this variant (Variation ID: 281479). Invitae Evidence Modeling of protein sequence and biophysical properties (such as structural, functional, and spatial information, amino acid conservation, physicochemical variation, residue mobility, and thermodynamic stability) indicates that this missense variant is not expected to disrupt RYR1 protein function with a negative predictive value of 80%. For these reasons, this variant has been classified as Pathogenic.

GeneDx
Classification: Uncertain significance. Last evaluated: 2026-01-12. Review status: criteria provided, single submitter. Criteria: GeneDx Variant Classification Process June 2021. Collection method: clinical testing. Allele origin: germline. Affected: yes. Not counted in ClinVar's aggregate classification.
Comment: In silico analysis supports that this missense variant has a deleterious effect on protein structure/function; In silico analysis is inconclusive as to whether the variant alters gene splicing. In the absence of RNA/functional studies, the actual effect of this sequence change is unknown.; This variant is associated with the following publications: (PMID: 31321302, 29178655, 36417990, tpnkov2025[Abstract], 32153140, 31135626)

PreventionGenetics, part of Exact Sciences
Classification: Uncertain significance for RYR1-related condition. Last evaluated: 2025-07-01. Review status: criteria provided, single submitter. Criteria: ACMG Guidelines, 2015. Collection method: clinical testing. Allele origin: germline. Not counted in ClinVar's aggregate classification.
Comment: The RYR1 c.10648C>T variant is predicted to result in the amino acid substitution p.Arg3550Trp. This variant has been reported with a second RYR1 frameshift variant in three individuals with features of RYR1-related myopathy (Laughlin et al. 2017. PubMed ID: 29178655; Peddareddygari et al. 2019. PubMed ID: 31135626; Table S4, Beecroft et al. 2020. PubMed ID: 32153140). This variant is reported in 0.18% of alleles in individuals of South Asian descent in gnomAD, which likely too frequent to be a primary cause of autosomal dominant disease. This variant has conflicting classifications listed in ClinVar ranging from likely benign to pathogenic. An alternate missense substitution affecting the same amino acid (p.Arg3550Pro) has also been reported with a second RYR1 in an individual congenital myopathy (Table S2, Juntas Morales et al. 2021. PubMed ID: 34440373). At this time, the clinical significance of this variant for autosomal recessive RYR1-related disorders is uncertain due to the absence of conclusive functional and genetic evidence. This variant is categorized as likely benign for autosomal dominant RYR1-related disorders.

Revvity Omics, Revvity
Classification: Uncertain significance. Last evaluated: 2025-03-06. Review status: criteria provided, single submitter. Criteria: ACMG Guidelines, 2015. Collection method: clinical testing. Allele origin: germline. Not counted in ClinVar's aggregate classification.

NM_000540.3(RYR1):c.10648C>T (p.Arg3550Trp)

Gene: RYR1 (ryanodine receptor 1; plus strand). Cytogenetic location: 19q13.2.
Variant type: single nucleotide variant.
Coding change: c.10648C>T on transcript NM_000540.3 (MANE Select); coding-DNA position 10648, C replaced by T.
Protein change: p.Arg3550Trp; replaces arginine 3550 with tryptophan.
Molecular consequence: missense variant.
Genome position (GRCh38, 1-based): chr19:38,527,014, C>T. VCF-style: chr19-38527014-C-T. GRCh37 (hg19) VCF-style: chr19-39017654-C-T.
Other names: NM_000540.3(RYR1):c.10648C>T; p.Arg3550Trp; c.10633C>T, p.Arg3545Trp (NM_001042723.2); short protein forms R3550W, R3545W.
Identifiers: ClinVar variation 281479 (VCV000281479.59), dbSNP rs536304635, ClinGen allele CA054285.